The following is an entry in ClinVar:

ClinVar aggregate classification (germline): Likely benign. Review status: criteria provided, multiple submitters, no conflicts (2 of 4 stars). 2 submissions from 2 submitters: Likely benign (2). Last evaluated 2025-01-19.

Conditions:
Arrhythmogenic cardiomyopathy with wooly hair and keratoderma. Also called: PALMOPLANTAR KERATODERMA WITH LEFT VENTRICULAR CARDIOMYOPATHY AND WOOLLY HAIR; Carvajal syndrome; Dilated cardiomyopathy with woolly hair and keratoderma; Arrhythmogenic cardiomyopathy with woolly hair and keratoderma. Identifiers: Orphanet 65282, MedGen C1854063, MONDO:0011581, OMIM 605676.
Arrhythmogenic right ventricular dysplasia 8 (ARVD8). Also called: ARRHYTHMOGENIC RIGHT VENTRICULAR DYSPLASIA, FAMILIAL, 8; ARRHYTHMOGENIC RIGHT VENTRICULAR CARDIOMYOPATHY 8; Arrhythmogenic Right Ventricular Dysplasia/Cardiomyopathy 8. Identifiers: MedGen C1843896, MONDO:0011831, OMIM 607450.

Allele frequency attached by ClinVar (database versions not stated): TOPMed below 0.00001; gnomAD 0.00001.
gnomAD v4.1: 1 of 1,614,114 alleles (0.000062%); highest among the groups gnomAD compares: Non-Finnish European, 0.000085%; no homozygotes.

Submissions (2):

Labcorp Genetics (formerly Invitae), Labcorp
Classification: Likely benign for Arrhythmogenic cardiomyopathy with wooly hair and keratoderma; Arrhythmogenic right ventricular dysplasia 8. Last evaluated: 2025-01-19. Review status: criteria provided, single submitter. Criteria: Invitae Variant Classification Sherloc (09022015). Collection method: clinical testing. Allele origin: germline.

All of Us Research Program, National Institutes of Health
Classification: Likely benign for Arrhythmogenic cardiomyopathy with wooly hair and keratoderma. Last evaluated: 2023-09-17. Review status: criteria provided, single submitter. Criteria: ACMG Guidelines, 2015. Collection method: clinical testing. Allele origin: germline. Inheritance: Autosomal dominant inheritance. Observed: 1 variant allele, 1 heterozygote.
Comment: This study involves interpretation of variants in research participants for the purpose of population health screening. Participant phenotype was not available at the time of variant classification. Additional details can be found in publication PMID: 35346344, PMCID: PMC8962531

NM_004415.4(DSP):c.387G>A (p.Arg129=)

Gene: DSP (desmoplakin; plus strand). Cytogenetic location: 6p24.3.
Variant type: single nucleotide variant.
Coding change: c.387G>A on transcript NM_004415.4 (MANE Select); coding-DNA position 387, G replaced by A.
Protein change: p.Arg129=; no amino-acid change (arginine 129 retained).
Molecular consequence: synonymous variant.
Genome position (GRCh38, 1-based): chr6:7,558,229, G>A. VCF-style: chr6-7558229-G-A. GRCh37 (hg19) VCF-style: chr6-7558462-G-A.
Other names: c.387G>A, p.Arg129= (NM_001008844.3, NM_001319034.2, NM_001406591.1).
Identifiers: ClinVar variation 3073363 (VCV003073363.3), dbSNP rs913507900, ClinGen allele CA133950029.